The following is an entry in ClinVar:

NM_001127222.2(CACNA1A):c.6473G>T (p.Arg2158Leu)

Gene: CACNA1A (calcium voltage-gated channel subunit alpha1 A; minus strand). Cytogenetic location: 19p13.13.
Variant type: single nucleotide variant.
Coding change: c.6473G>T on transcript NM_001127222.2 (MANE Select); coding-DNA position 6473, G replaced by T.
Protein change: p.Arg2158Leu; replaces arginine 2158 with leucine.
Molecular consequence: missense variant.
Genome position (GRCh38, 1-based): chr19:13,209,365, C>A on the plus strand (G>T on the coding strand, the complement: CACNA1A is on the minus strand). VCF-style: chr19-13209365-C-A. GRCh37 (hg19) VCF-style: chr19-13320179-C-A.
Other names: c.6491G>T, p.Arg2164Leu (NM_000068.4, NM_023035.3); c.6476G>T, p.Arg2159Leu (NM_001127221.2); c.6482G>T, p.Arg2161Leu (NM_001174080.2); short protein forms R2161L, R2158L, R2159L, R2164L.
Identifiers: ClinVar variation 2937724 (VCV002937724.4), dbSNP rs375859889, ClinGen allele CA404330816.
Genomic context (GRCh38, chr19:13,209,365, plus strand): 5'-TGCCCACCTGTGTCCACATCGGTGTAGCGGCCCAGGGAGCGCTCAGAGGCGCGGTGGCTG[C>A]GGTCGCGGCGCCGCTGGTGGTGCCGCTGGTTCTCCTCGGGCGGGACCCGCTCCAGCGAGT-3'
Protein context (NP_001120694.1, residues 2148-2168): NQRHHQRRRD[Arg2158Leu]SHRASERSLG

ClinVar aggregate classification (germline): Uncertain significance. Review status: criteria provided, multiple submitters, no conflicts (2 of 4 stars). 2 submissions from 2 submitters: Uncertain significance (2). Last evaluated 2026-01-14.

Conditions:
Episodic ataxia type 2 (EA2). Also called: CEREBELLAR ATAXIA, PAROXYSMAL, ACETAZOLAMIDE-RESPONSIVE; CEREBELLOPATHY, HEREDITARY PAROXYSMAL; EPISODIC ATAXIA, NYSTAGMUS-ASSOCIATED; ACETAZOLAMIDE-RESPONSIVE HEREDITARY PAROXYSMAL CEREBELLAR ATAXIA; ATAXIA, EPISODIC, WITH NYSTAGMUS; ATAXIA, FAMILIAL PAROXYSMAL. Identifiers: Orphanet 97, MedGen C1720416, MONDO:0007163, OMIM 108500.
Developmental and epileptic encephalopathy, 42 (DEE42A). Also called: Epileptic encephalopathy, early infantile, 42; DEVELOPMENTAL AND EPILEPTIC ENCEPHALOPATHY 42A; EPILEPTIC ENCEPHALOPATHY, EARLY INFANTILE, 42A. Identifiers: MedGen C4310716, MONDO:0014917, OMIM 617106.
Inborn genetic diseases. Identifiers: MedGen C0950123, MeSH D030342.

gnomAD v4.1: 1 of 1,385,464 alleles (0.000072%); highest among the groups gnomAD compares: Non-Finnish European, 0.000094%; no homozygotes.

Submissions (2):

Ambry Genetics
Classification: Uncertain significance for Inborn genetic diseases. Last evaluated: 2026-01-14. Review status: criteria provided, single submitter. Criteria: Ambry Variant Classification Scheme 2023. Collection method: clinical testing. Allele origin: germline.

Labcorp Genetics (formerly Invitae), Labcorp
Classification: Uncertain significance for Developmental and epileptic encephalopathy, 42; Episodic ataxia type 2. Last evaluated: 2024-01-30. Review status: criteria provided, single submitter. Criteria: Invitae Variant Classification Sherloc (09022015). Collection method: clinical testing. Allele origin: germline.
Comment: This sequence change replaces arginine, which is basic and polar, with leucine, which is neutral and non-polar, at codon 2159 of the CACNA1A protein (p.Arg2159Leu). This variant is not present in population databases (gnomAD no frequency). This variant has not been reported in the literature in individuals affected with CACNA1A-related conditions. Advanced modeling of protein sequence and biophysical properties (such as structural, functional, and spatial information, amino acid conservation, physicochemical variation, residue mobility, and thermodynamic stability) performed at Invitae indicates that this missense variant is not expected to disrupt CACNA1A protein function with a negative predictive value of 95%. In summary, the available evidence is currently insufficient to determine the role of this variant in disease. Therefore, it has been classified as a Variant of Uncertain Significance.